The following is an entry in ClinVar:

NM_012330.4(KAT6B):c.4225G>A (p.Glu1409Lys)

Gene: KAT6B (lysine acetyltransferase 6B; plus strand). Cytogenetic location: 10q22.2.
Variant type: single nucleotide variant.
Coding change: c.4225G>A on transcript NM_012330.4 (MANE Select); coding-DNA position 4225, G replaced by A.
Protein change: p.Glu1409Lys; replaces glutamic acid 1409 with lysine.
Molecular consequence: missense variant.
Genome position (GRCh38, 1-based): chr10:75,029,049, G>A. VCF-style: chr10-75029049-G-A. GRCh37 (hg19) VCF-style: chr10-76788807-G-A.
Other names: c.3676G>A, p.Glu1226Lys (NM_001256468.2, NM_001370138.1); c.3349G>A, p.Glu1117Lys (NM_001256469.2, NM_001370139.1, NM_001370140.1 and 2 more transcripts); c.3187G>A, p.Glu1063Lys (NM_001370132.1); c.2536G>A, p.Glu846Lys (NM_001370133.1); c.2140G>A, p.Glu714Lys (NM_001370134.1); c.1882G>A, p.Glu628Lys (NM_001370135.1); c.4225G>A, p.Glu1409Lys (NM_001370136.1, NM_001370137.1); c.3160G>A, p.Glu1054Lys (NM_001370143.1, NM_001370144.1); short protein forms E1409K, E628K, E1054K, E1063K, E846K, E1117K, E1226K, E714K.
Identifiers: ClinVar variation 1483832 (VCV001483832.8), dbSNP rs370657796, ClinGen allele CA5564997.

ClinVar aggregate classification (germline): Conflicting classifications of pathogenicity. Review status: criteria provided, conflicting classifications (1 of 4 stars). 3 submissions from 3 submitters: Uncertain significance (2); Likely benign (1). Last evaluated 2024-11-25.

Conditions:
Genitopatellar syndrome (GTPTS). Also called: Genitopatellar syndrome (GPS); ABSENT PATELLAE, SCROTAL HYPOPLASIA, RENAL ANOMALIES, FACIAL DYSMORPHISM, AND MENTAL RETARDATION. Identifiers: Orphanet 85201, MedGen C1853566, MONDO:0011640, OMIM 606170.

Allele frequency attached by ClinVar (database versions not stated): gnomAD 0.00001; TOPMed 0.00001; ExAC 0.00002; gnomAD exomes 0.00002; ESP Exome Variant Server 0.00008.
gnomAD v4.1: 29 of 1,614,044 alleles (0.0018%); highest among the groups gnomAD compares: Middle Eastern, 0.016%; no homozygotes.

Submissions (3):

Blueprint Genetics
Classification: Likely benign. Last evaluated: 2024-11-25. Review status: criteria provided, single submitter. Criteria: ACMG Guidelines, 2015. Collection method: clinical testing. Allele origin: germline.

Labcorp Genetics (formerly Invitae), Labcorp
Classification: Uncertain significance for Genitopatellar syndrome. Last evaluated: 2024-11-05. Review status: criteria provided, single submitter. Criteria: Invitae Variant Classification Sherloc (09022015). Collection method: clinical testing. Allele origin: germline.
Comment: This sequence change replaces glutamic acid, which is acidic and polar, with lysine, which is basic and polar, at codon 1409 of the KAT6B protein (p.Glu1409Lys). This variant is present in population databases (rs370657796, gnomAD 0.007%). This missense change has been observed in individual(s) with Kabuki syndrome and/or Say-Barber-Biesecker-Young-Simpson syndrome (PMID: 32170002, 34906459). ClinVar contains an entry for this variant (Variation ID: 1483832). Invitae Evidence Modeling of protein sequence and biophysical properties (such as structural, functional, and spatial information, amino acid conservation, physicochemical variation, residue mobility, and thermodynamic stability) indicates that this missense variant is not expected to disrupt KAT6B protein function with a negative predictive value of 80%. In summary, the available evidence is currently insufficient to determine the role of this variant in disease. Therefore, it has been classified as a Variant of Uncertain Significance.

Breakthrough Genomics
Classification: Uncertain significance. Review status: criteria provided, single submitter. Criteria: ACMG Guidelines, 2015. Collection method: not provided. Allele origin: germline. Inheritance: Autosomal dominant inheritance. Affected: yes.

Literature cited by the submitters: PubMed 32170002 (cited by Labcorp Genetics (formerly Invitae), Labcorp); PubMed 34906459 (cited by Labcorp Genetics (formerly Invitae), Labcorp).